The following is an entry in ClinVar:

ClinVar aggregate classification (germline): Uncertain significance (1 of 4 stars; one submission).

Submission:

Labcorp Genetics (formerly Invitae), Labcorp
Classification: Uncertain significance. Last evaluated: 2026-01-05. Review status: criteria provided, single submitter. Criteria: Invitae Variant Classification Sherloc (09022015). Collection method: clinical testing. Allele origin: germline.
Comment: This variant occurs in a non-coding region of the MYH3 gene. It does not change the encoded amino acid sequence of the MYH3 protein. This variant is present in population databases (no rsID available, gnomAD 0.06%). This variant has been observed in individual(s) with clinical features of autosomal recessive MYH3-related conditions (internal data). In at least one individual the data is consistent with being in trans (on the opposite chromosome) from a pathogenic variant. ClinVar contains an entry for this variant (Variation ID: 1972535). In summary, the available evidence is currently insufficient to determine the role of this variant in disease. Therefore, it has been classified as a Variant of Uncertain Significance.

NM_002470.4(MYH3):c.-10_-9+24del

Gene: MYH3 (myosin heavy chain 3; minus strand). Cytogenetic location: 17p13.1.
Variant type: Deletion.
Coding change: c.-10_-9+24del on transcript NM_002470.4 (MANE Select); 10 bases upstream of the start codon through 24 bases into the intron after 9 bases upstream of the start codon, 26 bases deleted (AGGTGAGAAGTTGGGCCCTGTCCCTC).
Molecular consequence: splice donor variant.
Genome position (GRCh38, 1-based): chr17:10,656,066-10,656,091, GAGGGACAGGGCCCAACTTCTCACCT deleted on the plus strand (AGGTGAGAAGTTGGGCCCTGTCCCTC on the coding strand, the reverse complement: MYH3 is on the minus strand); deleting any 26 consecutive bases within chr17:10,656,066-10,656,094 gives the same sequence; the c. name uses the placement nearest the transcript's 3' end. VCF-style (leftmost placement, unchanged base first): chr17-10656065-CGAGGGACAGGGCCCAACTTCTCACCT-C. GRCh37 (hg19) VCF-style: chr17-10559382-CGAGGGACAGGGCCCAACTTCTCACCT-C.
Identifiers: ClinVar variation 1972535 (VCV001972535.5), dbSNP rs1204140502, ClinGen allele CA624877017.